The following is an entry in ClinVar:

NM_014003.4(DHX38):c.3461C>T (p.Ala1154Val)

Gene: DHX38 (DEAH-box helicase 38; plus strand). Cytogenetic location: 16q22.2.
Variant type: single nucleotide variant.
Coding change: c.3461C>T on transcript NM_014003.4 (MANE Select); coding-DNA position 3461, C replaced by T.
Protein change: p.Ala1154Val; replaces alanine 1154 with valine.
Molecular consequence: missense variant.
Genome position (GRCh38, 1-based): chr16:72,109,494, C>T. VCF-style: chr16-72109494-C-T. GRCh37 (hg19) VCF-style: chr16-72143393-C-T.
Other names: short protein forms A1154V.
Identifiers: ClinVar variation 846944 (VCV000846944.9), dbSNP rs929926775, ClinGen allele CA283692650.
Genomic context (GRCh38, chr16:72,109,494, plus strand): 5'-CCGCTGTGGACGGGGAGTGGCTGGCGGAGCTGGGCCCCATGTTCTATAGCGTGAAACAGG[C>T]GGGCAAGTCACGGCAGGTGAGGATTCTGTGCTCTTCGCAGGGGTGCTGTTTGCCTGTGGG-3'
Protein context (NP_054722.2, residues 1144-1164): LGPMFYSVKQ[Ala1154Val]GKSRQENRRR

ClinVar aggregate classification (germline): Uncertain significance. Review status: criteria provided, multiple submitters, no conflicts (2 of 4 stars). 2 submissions from 2 submitters: Uncertain significance (2). Last evaluated 2026-02-02.

Allele frequency attached by ClinVar (database versions not stated): gnomAD 0.00001; TOPMed 0.00001.
gnomAD v4.1: 18 of 1,611,474 alleles (0.0011%); highest among the groups gnomAD compares: East Asian, 0.0022%; no homozygotes.

Submissions (2):

Labcorp Genetics (formerly Invitae), Labcorp
Classification: Uncertain significance. Last evaluated: 2026-02-02. Review status: criteria provided, single submitter. Criteria: Invitae Variant Classification Sherloc (09022015). Collection method: clinical testing. Allele origin: germline.
Comment: This sequence change replaces alanine, which is neutral and non-polar, with valine, which is neutral and non-polar, at codon 1154 of the DHX38 protein (p.Ala1154Val). The frequency data for this variant in the population databases is considered unreliable, as metrics indicate poor data quality at this position in the gnomAD database. This variant has not been reported in the literature in individuals affected with DHX38-related conditions. ClinVar contains an entry for this variant (Variation ID: 846944). Invitae Evidence Modeling of protein sequence and biophysical properties (such as structural, functional, and spatial information, amino acid conservation, physicochemical variation, residue mobility, and thermodynamic stability) indicates that this missense variant is not expected to disrupt DHX38 protein function with a negative predictive value of 80%. Algorithms developed to predict the effect of sequence changes on RNA splicing suggest that this variant may disrupt the consensus splice site. In summary, the available evidence is currently insufficient to determine the role of this variant in disease. Therefore, it has been classified as a Variant of Uncertain Significance.

Blueprint Genetics
Classification: Uncertain significance. Last evaluated: 2020-02-25. Review status: criteria provided, single submitter. Criteria: ACMG Guidelines, 2015. Collection method: clinical testing. Allele origin: germline.